The following is an entry in ClinVar:

NM_001846.4(COL4A2):c.3279C>T (p.Ile1093=)

Gene: COL4A2 (collagen type IV alpha 2 chain; plus strand). Cytogenetic location: 13q34.
Variant type: single nucleotide variant.
Coding change: c.3279C>T on transcript NM_001846.4 (MANE Select); coding-DNA position 3279, C replaced by T.
Protein change: p.Ile1093=; no amino-acid change (isoleucine 1093 retained).
Molecular consequence: synonymous variant.
Genome position (GRCh38, 1-based): chr13:110,489,718, C>T. VCF-style: chr13-110489718-C-T. GRCh37 (hg19) VCF-style: chr13-111142065-C-T.
Identifiers: ClinVar variation 3389076 (VCV003389076.14).

ClinVar aggregate classification (germline): Likely benign (1 of 4 stars; one submission).

gnomAD v4.1: 21 of 1,614,042 alleles (0.0013%); highest among the groups gnomAD compares: South Asian, 0.0066%; no homozygotes.

Submission:

CeGaT Center for Human Genetics Tuebingen
Classification: Likely benign. Last evaluated: 2025-03-01. Review status: criteria provided, single submitter. Criteria: CeGaT Center For Human Genetics Tuebingen Variant Classification Criteria Version 2. Collection method: clinical testing. Allele origin: germline. Affected: yes. Observed: 3 variant alleles.
Comment: COL4A2: BP4, BP7